The following is an entry in ClinVar:

ClinVar aggregate classification (germline): Uncertain significance. Review status: criteria provided, multiple submitters, no conflicts (2 of 4 stars). 2 submissions from 2 submitters: Uncertain significance (2). Last evaluated 2026-06-09.

Conditions:
ALG1-congenital disorder of glycosylation. Also called: ALG1-CDG; CONGENITAL DISORDER OF GLYCOSYLATION, TYPE Ik; CDG Ik. Identifiers: Orphanet 79327, MedGen C2931005, MONDO:0012052, OMIM 608540.

Submissions (2):

Institute of Human Genetics, University of Leipzig Medical Center
Classification: Uncertain significance for ALG1-congenital disorder of glycosylation. Last evaluated: 2026-06-09. Review status: criteria provided, single submitter. Criteria: ACMG Guidelines, 2015. Collection method: clinical testing. Allele origin: maternal. Inheritance: Autosomal recessive inheritance. Affected: yes.
Comment: Criteria applied: PM2,PP3

Institute for Clinical Genetics, University Hospital TU Dresden, University Hospital TU Dresden
Classification: Uncertain significance. Last evaluated: 2021-11-03. Review status: criteria provided, single submitter. Criteria: ACMG Guidelines, 2015. Collection method: clinical testing. Allele origin: germline.

NM_019109.5(ALG1):c.1137G>A (p.Val379=)

Gene: ALG1 (ALG1 chitobiosyldiphosphodolichol beta-mannosyltransferase; plus strand). Cytogenetic location: 16p13.3.
Variant type: single nucleotide variant.
Coding change: c.1137G>A on transcript NM_019109.5 (MANE Select); coding-DNA position 1137, G replaced by A.
Protein change: p.Val379=; no amino-acid change (valine 379 retained).
Molecular consequence: synonymous variant.
Genome position (GRCh38, 1-based): chr16:5,082,623, G>A. VCF-style: chr16-5082623-G-A. GRCh37 (hg19) VCF-style: chr16-5132624-G-A.
Other names: c.804G>A, p.Val268= (NM_001330504.2).
Identifiers: ClinVar variation 1319711 (VCV001319711.4), dbSNP rs2142725775, ClinGen allele CA493335528.